The following is an entry in ClinVar:

ClinVar aggregate classification (germline): Uncertain significance (1 of 4 stars; one submission).

Conditions:
Paroxysmal nonkinesigenic dyskinesia. Also called: Paroxysmal non-kinesigenic dyskinesia. Identifiers: Orphanet 98810, MedGen C1869117, MONDO:0700088.

Allele frequency attached by ClinVar (database versions not stated): TOPMed 0.00001; gnomAD 0.00002.
gnomAD v4.1: 13 of 1,613,120 alleles (0.00081%); highest among the groups gnomAD compares: Non-Finnish European, 0.0011%; no homozygotes.

Submission:

Labcorp Genetics (formerly Invitae), Labcorp
Classification: Uncertain significance for Paroxysmal nonkinesigenic dyskinesia. Last evaluated: 2020-03-26. Review status: criteria provided, single submitter. Criteria: Invitae Variant Classification Sherloc (09022015). Collection method: clinical testing. Allele origin: germline.
Comment: This sequence change replaces alanine with threonine at codon 225 of the PNKD protein (p.Ala225Thr). The alanine residue is moderately conserved and there is a small physicochemical difference between alanine and threonine. This variant is not present in population databases (ExAC no frequency). This variant has not been reported in the literature in individuals with PNKD-related conditions. Algorithms developed to predict the effect of missense changes on protein structure and function (SIFT, PolyPhen-2, Align-GVGD) all suggest that this variant is likely to be tolerated, but these predictions have not been confirmed by published functional studies and their clinical significance is uncertain. In summary, the available evidence is currently insufficient to determine the role of this variant in disease. Therefore, it has been classified as a Variant of Uncertain Significance.

NM_015488.5(PNKD):c.673G>A (p.Ala225Thr)

Genes: CATIP-AS2 (CATIP antisense RNA 2; minus strand), PNKD (PNKD metallo-beta-lactamase domain containing; plus strand). Cytogenetic location: 2q35.
Variant type: single nucleotide variant.
Coding change: c.673G>A on transcript NM_015488.5 (MANE Select); coding-DNA position 673, G replaced by A.
Protein change: p.Ala225Thr; replaces alanine 225 with threonine.
Molecular consequence: missense variant.
Genome position (GRCh38, 1-based): chr2:218,342,036, G>A. VCF-style: chr2-218342036-G-A. GRCh37 (hg19) VCF-style: chr2-219206759-G-A.
Other names: c.601G>A, p.Ala201Thr (NM_022572.5); short protein forms A201T, A225T.
Identifiers: ClinVar variation 840880 (VCV000840880.9), dbSNP rs1459728761, ClinGen allele CA350541044.
Genomic context (GRCh38, chr2:218,342,036, plus strand): 5'-CCCAGTCCCCTGTGTCATCAAGATGTGGTCAGCGTGGGACGGCTTCAGATCCGGGCCCTG[G>A]CTACACCTGGCCACACACAAGGCCATCTGGTCTACCTACTGGATGGGGAGCCCTACAAGG-3'
Protein context (NP_056303.3, residues 215-235): SVGRLQIRAL[Ala225Thr]TPGHTQGHLV